The following is an entry in ClinVar:

NM_005444.3(CNOT9):c.583G>C (p.Gly195Arg)

Gene: CNOT9 (CCR4-NOT transcription complex subunit 9; plus strand). Cytogenetic location: 2q35.
Variant type: single nucleotide variant.
Coding change: c.583G>C on transcript NM_005444.3 (MANE Select); coding-DNA position 583, G replaced by C.
Protein change: p.Gly195Arg; replaces glycine 195 with arginine.
Molecular consequence: missense variant. On other transcripts: non-coding transcript variant (1).
Genome position (GRCh38, 1-based): chr2:218,592,346, G>C. VCF-style: chr2-218592346-G-C. GRCh37 (hg19) VCF-style: chr2-219457069-G-C.
Other names: c.679G>C, p.Gly227Arg (NM_001271634.2); c.583G>C, p.Gly195Arg (NM_001271635.2); short protein forms G195R, G227R.
Identifiers: ClinVar variation 3384448 (VCV003384448.1).

ClinVar aggregate classification (germline): Uncertain significance (1 of 4 stars; one submission).

Submission:

GeneDx
Classification: Uncertain significance. Last evaluated: 2024-06-02. Review status: criteria provided, single submitter. Criteria: GeneDx Variant Classification Process June 2021. Collection method: clinical testing. Allele origin: germline. Affected: yes.
Comment: Not observed at significant frequency in large population cohorts (gnomAD); In silico analysis supports that this missense variant has a deleterious effect on protein structure/function; Has not been previously published as pathogenic or benign to our knowledge